The following is an entry in ClinVar:

NM_001134831.2(AHI1):c.34A>C (p.Thr12Pro)

Gene: AHI1 (Abelson helper integration site 1; minus strand). Cytogenetic location: 6q23.3.
Variant type: single nucleotide variant.
Coding change: c.34A>C on transcript NM_001134831.2 (MANE Select); coding-DNA position 34, A replaced by C.
Protein change: p.Thr12Pro; replaces threonine 12 with proline.
Molecular consequence: missense variant.
Genome position (GRCh38, 1-based): chr6:135,490,724, T>G on the plus strand (A>C on the coding strand, the complement: AHI1 is on the minus strand). VCF-style: chr6-135490724-T-G. GRCh37 (hg19) VCF-style: chr6-135811862-T-G.
Other names: c.34A>C (NM_017651.4); c.34A>C, p.Thr12Pro (NM_001134830.2, NM_001134832.2, NM_001350503.2 and 2 more transcripts); short protein forms T12P.
Identifiers: ClinVar variation 1414703 (VCV001414703.4), dbSNP rs761288707, ClinGen allele CA4012974.
Genomic context (GRCh38, chr6:135,490,724, plus strand): 5'-TTTTCTTTTCACGCATTAGATCACTGTGGGTCTTAAGCAATTCTTCAAAGCGAACTTTGG[T>G]TTTTACTTTTGCTTCACTCTCAGCTACAAAAGATACAGCCATGTGATTTTGTAAATGACT-3'
Protein context (NP_001128303.1, residues 2-22): PTAESEAKVK[Thr12Pro]KVRFEELLKT

ClinVar aggregate classification (germline): Uncertain significance. Review status: criteria provided, multiple submitters, no conflicts (2 of 4 stars). 2 submissions from 2 submitters: Uncertain significance (2). Last evaluated 2024-09-08.

Conditions:
Inborn genetic diseases. Identifiers: MedGen C0950123, MeSH D030342.
Joubert syndrome. Also called: CEREBELLOPARENCHYMAL DISORDER IV; JOUBERT-BOLTSHAUSER SYNDROME; Familial aplasia of the vermis. Identifiers: Orphanet 475, MedGen C5979921, MONDO:0018772.

gnomAD v4.1: 2 of 1,612,842 alleles (0.00012%); highest among the groups gnomAD compares: Middle Eastern, 0.017%; no homozygotes.

Submissions (2):

Ambry Genetics
Classification: Uncertain significance for Inborn genetic diseases. Last evaluated: 2024-09-08. Review status: criteria provided, single submitter. Criteria: Ambry Variant Classification Scheme 2023. Collection method: clinical testing. Allele origin: germline.

Labcorp Genetics (formerly Invitae), Labcorp
Classification: Uncertain significance for Joubert syndrome. Last evaluated: 2022-03-12. Review status: criteria provided, single submitter. Criteria: Invitae Variant Classification Sherloc (09022015). Collection method: clinical testing. Allele origin: germline.
Comment: This sequence change replaces threonine, which is neutral and polar, with proline, which is neutral and non-polar, at codon 12 of the AHI1 protein (p.Thr12Pro). This variant is present in population databases (rs761288707, gnomAD 0.003%). This variant has not been reported in the literature in individuals affected with AHI1-related conditions. Algorithms developed to predict the effect of missense changes on protein structure and function are either unavailable or do not agree on the potential impact of this missense change (SIFT: "Deleterious"; PolyPhen-2: "Probably Damaging"; Align-GVGD: "Class C0"). In summary, the available evidence is currently insufficient to determine the role of this variant in disease. Therefore, it has been classified as a Variant of Uncertain Significance.